The following is an entry in ClinVar:

NM_007126.5(VCP):c.331G>A (p.Gly111Ser)

Gene: VCP (valosin containing protein; minus strand). Cytogenetic location: 9p13.3.
Variant type: single nucleotide variant.
Coding change: c.331G>A on transcript NM_007126.5 (MANE Select); coding-DNA position 331, G replaced by A.
Protein change: p.Gly111Ser; replaces glycine 111 with serine.
Molecular consequence: missense variant.
Genome position (GRCh38, 1-based): chr9:35,066,789, C>T on the plus strand (G>A on the coding strand, the complement: VCP is on the minus strand). VCF-style: chr9-35066789-C-T. GRCh37 (hg19) VCF-style: chr9-35066786-C-T.
Other names: c.196G>A, p.Gly66Ser (NM_001354927.2, NM_001354928.2); short protein forms G66S, G111S.
Identifiers: ClinVar variation 1043684 (VCV001043684.9), dbSNP rs752038734, ClinGen allele CA5039499.
Genomic context (GRCh38, chr9:35,066,789, plus strand): 5'-AGAGATTACCAGTAATGCCTTCCACTGTGTCATCAATGGGCAGCACATGGATACGTTTGC[C>T]GTACTTCACATCAGGGCATGGCTGGATGCTGAGGATGACAAGCAGACTCCATATTACCAA-3'
Protein context (NP_009057.1, residues 101-121): SIQPCPDVKY[Gly111Ser]KRIHVLPIDD

ClinVar aggregate classification (germline): Uncertain significance (1 of 4 stars; one submission).

Conditions:
Inclusion body myopathy with Paget disease of bone and frontotemporal dementia. Also called: Inclusion body myopathy with early-onset Paget disease and frontotemporal dementia. Identifiers: Orphanet 52430, MedGen C1833662, MONDO:0000507.
Frontotemporal dementia and/or amyotrophic lateral sclerosis 6 (FTDALS6). Also called: VCP-Related Amyotrophic Lateral Sclerosis/Frontotemporal Dementia; VCP-Related Amyotrophic Lateral Sclerosis. Identifiers: Orphanet 275872, Orphanet 803, MedGen C5436279, MONDO:0013501, OMIM 613954.

Allele frequency attached by ClinVar (database versions not stated): gnomAD exomes below 0.00001 and 0.00001; gnomAD 0.00001; TOPMed 0.00001; ExAC 0.00002.
gnomAD v4.1: 11 of 1,613,964 alleles (0.00068%); highest among the groups gnomAD compares: Middle Eastern, 0.033%; no homozygotes.

Submission:

Labcorp Genetics (formerly Invitae), Labcorp
Classification: Uncertain significance for Inclusion body myopathy with Paget disease of bone and frontotemporal dementia; Frontotemporal dementia and/or amyotrophic lateral sclerosis 6. Last evaluated: 2022-03-18. Review status: criteria provided, single submitter. Criteria: Invitae Variant Classification Sherloc (09022015). Collection method: clinical testing. Allele origin: germline.
Comment: This variant has not been reported in the literature in individuals affected with VCP-related conditions. ClinVar contains an entry for this variant (Variation ID: 1043684). Advanced modeling of protein sequence and biophysical properties (such as structural, functional, and spatial information, amino acid conservation, physicochemical variation, residue mobility, and thermodynamic stability) performed at Invitae indicates that this missense variant is expected to disrupt VCP protein function. In summary, the available evidence is currently insufficient to determine the role of this variant in disease. Therefore, it has been classified as a Variant of Uncertain Significance. This sequence change replaces glycine, which is neutral and non-polar, with serine, which is neutral and polar, at codon 111 of the VCP protein (p.Gly111Ser). This variant is present in population databases (rs752038734, gnomAD 0.01%).